The following is an entry in ClinVar:

NM_016284.5(CNOT1):c.638-1G>A

Gene: CNOT1 (CCR4-NOT transcription complex subunit 1; minus strand). Cytogenetic location: 16q21.
Variant type: single nucleotide variant.
Coding change: c.638-1G>A on transcript NM_016284.5 (MANE Select); the canonical splice acceptor site of the intron before coding-DNA position 638, G replaced by A.
Molecular consequence: splice acceptor variant.
Genome position (GRCh38, 1-based): chr16:58,585,507, C>T on the plus strand (G>A on the coding strand, the complement: CNOT1 is on the minus strand). VCF-style: chr16-58585507-C-T. GRCh37 (hg19) VCF-style: chr16-58619411-C-T.
Other names: c.638-1G>A (NM_001265612.2, NM_206999.3).
Identifiers: ClinVar variation 1328840 (VCV001328840.2), dbSNP rs2151980137, ClinGen allele CA396154603.
Genomic context (GRCh38, chr16:58,585,507, plus strand): 5'-CCCGTTTTTCAGGGTATAAAAGTGGTGCGAGCACCACGGGACAGCGTTCTTGGGGAAAAT[C>T]TGAGAGAGGAAAAAGGTTACAACTGCTATACTAATTAAAAACAAACAATCCTCTTTTGCT-3'

ClinVar aggregate classification (germline): Pathogenic (1 of 4 stars; one submission).

Submission:

GeneDx
Classification: Pathogenic. Last evaluated: 2021-06-19. Review status: criteria provided, single submitter. Criteria: GeneDx Variant Classification Process June 2021. Collection method: clinical testing. Allele origin: germline. Affected: yes.
Comment: Has not been previously published as pathogenic or benign to our knowledge; Canonical splice site variant predicted to result in a null allele in a gene for which loss-of-function is a known mechanism of disease; Not observed at significant frequency in large population cohorts (Lek et al., 2016); This variant is associated with the following publications: (PMID: 27535533)